The following is an entry in ClinVar:

NM_006939.4(SOS2):c.2221G>A (p.Ala741Thr)

Gene: SOS2 (SOS Ras/Rho guanine nucleotide exchange factor 2; minus strand). Cytogenetic location: 14q21.3.
Variant type: single nucleotide variant.
Coding change: c.2221G>A on transcript NM_006939.4 (MANE Select); coding-DNA position 2221, G replaced by A.
Protein change: p.Ala741Thr; replaces alanine 741 with threonine.
Molecular consequence: missense variant.
Genome position (GRCh38, 1-based): chr14:50,150,171, C>T on the plus strand (G>A on the coding strand, the complement: SOS2 is on the minus strand). VCF-style: chr14-50150171-C-T. GRCh37 (hg19) VCF-style: chr14-50616889-C-T.
Other names: short protein forms A741T.
Identifiers: ClinVar variation 641799 (VCV000641799.8), dbSNP rs1594973893, ClinGen allele CA389643932.

ClinVar aggregate classification (germline): Uncertain significance (1 of 4 stars; one submission).

Conditions:
Noonan syndrome 9 (NS9). Identifiers: Orphanet 648, MedGen C4225282, MONDO:0014691, OMIM 616559.

Allele frequency attached by ClinVar (database versions not stated): gnomAD exomes below 0.00001.
gnomAD v4.1: 1 of 1,613,728 alleles (0.000062%); highest among the groups gnomAD compares: Non-Finnish European, 0.000085%; no homozygotes.

Submission:

Labcorp Genetics (formerly Invitae), Labcorp
Classification: Uncertain significance for Noonan syndrome 9. Last evaluated: 2018-09-06. Review status: criteria provided, single submitter. Criteria: Invitae Variant Classification Sherloc (09022015). Collection method: clinical testing. Allele origin: germline.
Comment: In summary, the available evidence is currently insufficient to determine the role of this variant in disease. Therefore, it has been classified as a Variant of Uncertain Significance. Algorithms developed to predict the effect of missense changes on protein structure and function output the following: SIFT: "Tolerated"; PolyPhen-2: "Benign"; Align-GVGD: "Class C0". The threonine amino acid residue is found in multiple mammalian species, suggesting that this missense change does not adversely affect protein function. These predictions have not been confirmed by published functional studies and their clinical significance is uncertain. This variant has not been reported in the literature in individuals with SOS2-related disease. This variant is not present in population databases (ExAC no frequency). This sequence change replaces alanine with threonine at codon 741 of the SOS2 protein (p.Ala741Thr). The alanine residue is moderately conserved and there is a small physicochemical difference between alanine and threonine.